The following is an entry in ClinVar:

ClinVar aggregate classification (germline): Uncertain significance. Review status: criteria provided, multiple submitters, no conflicts (2 of 4 stars). 3 submissions from 3 submitters: Uncertain significance (3). Last evaluated 2024-10-31.

Conditions:
Neuroblastoma, susceptibility to, 3. Also called: ALK-Related Neuroblastic Tumor Susceptibility. Identifiers: Orphanet 635, MedGen C2751681, MONDO:0013083, OMIM 613014.
Hereditary cancer-predisposing syndrome. Also called: Tumor predisposition; Hereditary Cancer Syndrome; Neoplastic Syndromes, Hereditary; Hereditary neoplastic syndrome. Identifiers: Orphanet 140162, MedGen C0027672, MeSH D009386, MONDO:0015356.

Allele frequency attached by ClinVar (database versions not stated): TOPMed below 0.00001; gnomAD 0.00001.
gnomAD v4.1: 1 of 1,609,392 alleles (0.000062%); highest among the groups gnomAD compares: African/African-American, 0.0014%; no homozygotes.

Submissions (3):

Labcorp Genetics (formerly Invitae), Labcorp
Classification: Uncertain significance for Neuroblastoma, susceptibility to, 3. Last evaluated: 2024-10-31. Review status: criteria provided, single submitter. Criteria: Invitae Variant Classification Sherloc (09022015). Collection method: clinical testing. Allele origin: germline.
Comment: This sequence change replaces asparagine, which is neutral and polar, with isoleucine, which is neutral and non-polar, at codon 886 of the ALK protein (p.Asn886Ile). This variant is present in population databases (no rsID available, gnomAD 0.01%). This variant has not been reported in the literature in individuals affected with ALK-related conditions. ClinVar contains an entry for this variant (Variation ID: 1014221). An algorithm developed to predict the effect of missense changes on protein structure and function (PolyPhen-2) suggests that this variant is likely to be disruptive. In summary, the available evidence is currently insufficient to determine the role of this variant in disease. Therefore, it has been classified as a Variant of Uncertain Significance.

Ambry Genetics
Classification: Uncertain significance for Hereditary cancer-predisposing syndrome. Last evaluated: 2024-04-07. Review status: criteria provided, single submitter. Criteria: Ambry Variant Classification Scheme 2023. Collection method: clinical testing. Allele origin: germline.
Comment: The p.N886I variant (also known as c.2657A>T), located in coding exon 16 of the ALK gene, results from an A to T substitution at nucleotide position 2657. The asparagine at codon 886 is replaced by isoleucine, an amino acid with dissimilar properties. This amino acid position is conserved. In addition, this alteration is predicted to be tolerated by in silico analysis. Based on the available evidence, the clinical significance of this variant remains unclear.

Baylor Genetics
Classification: Uncertain significance for Neuroblastoma, susceptibility to, 3. Last evaluated: 2024-01-16. Review status: criteria provided, single submitter. Criteria: ACMG Guidelines, 2015. Collection method: clinical testing. Allele origin: unknown.

NM_004304.5(ALK):c.2657A>T (p.Asn886Ile)

Gene: ALK (ALK receptor tyrosine kinase; minus strand). Cytogenetic location: 2p23.2.
Variant type: single nucleotide variant.
Coding change: c.2657A>T on transcript NM_004304.5 (MANE Select); coding-DNA position 2657, A replaced by T.
Protein change: p.Asn886Ile; replaces asparagine 886 with isoleucine.
Molecular consequence: missense variant.
Genome position (GRCh38, 1-based): chr2:29,229,042, T>A on the plus strand (A>T on the coding strand, the complement: ALK is on the minus strand). VCF-style: chr2-29229042-T-A. GRCh37 (hg19) VCF-style: chr2-29451908-T-A.
Other names: c.2657A>T (NM_004304.4); short protein forms N886I.
Identifiers: ClinVar variation 1014221 (VCV001014221.8), dbSNP rs1452092742, ClinGen allele CA346470041.